The following is an entry in ClinVar:

ClinVar aggregate classification (germline): Uncertain significance (1 of 4 stars; one submission).

Conditions:
Epidermolysis bullosa simplex 5B, with muscular dystrophy (EBS5B). Also called: EPIDERMOLYSIS BULLOSA SIMPLEX AND LIMB-GIRDLE MUSCULAR DYSTROPHY; Epidermolysis bullosa simplex with muscular dystrophy. Identifiers: Orphanet 257, MedGen C2931072, MONDO:0009181, OMIM 226670.
Epidermolysis bullosa simplex 5C, with pyloric atresia (EBS5C). Also called: PLEC-Related Epidermolysis Bullosa with Pyloric Atresia; Epidermolysis bullosa simplex with pyloric atresia; PLEC1-Related Epidermolysis Bullosa with Pyloric Atresia. Identifiers: Orphanet 158684, MedGen C2677349, MONDO:0012807, OMIM 612138.
Autosomal recessive limb-girdle muscular dystrophy type 2Q (LGMDR17). Also called: MUSCULAR DYSTROPHY, LIMB-GIRDLE, AUTOSOMAL RECESSIVE 17. Identifiers: Orphanet 254361, MedGen C3150989, MONDO:0013390, OMIM 613723.
Epidermolysis bullosa simplex with nail dystrophy (EBS5D). Identifiers: MedGen C4225309, MONDO:0014661, OMIM 616487.
Epidermolysis bullosa simplex, Ogna type (EBS5A). Also called: Pidermolysis bullosa simplex 5A, Ogna type; EPIDERMOLYSIS BULLOSA SIMPLEX 5A, OGNA TYPE. Identifiers: Orphanet 79401, MedGen C0432317, MONDO:0007555, OMIM 131950.

gnomAD v4.1: 8 of 1,542,652 alleles (0.00052%); highest among the groups gnomAD compares: Non-Finnish European, 0.00069%; no homozygotes.

Submission:

Labcorp Genetics (formerly Invitae), Labcorp
Classification: Uncertain significance for Autosomal recessive limb-girdle muscular dystrophy type 2Q; Epidermolysis bullosa simplex, Ogna type; Epidermolysis bullosa simplex with nail dystrophy; Epidermolysis bullosa simplex 5C, with pyloric atresia; Epidermolysis bullosa simplex 5B, with muscular dystrophy. Last evaluated: 2025-12-20. Review status: criteria provided, single submitter. Criteria: Invitae Variant Classification Sherloc (09022015). Collection method: clinical testing. Allele origin: germline.
Comment: This sequence change replaces alanine, which is neutral and non-polar, with proline, which is neutral and non-polar, at codon 1835 of the PLEC protein (p.Ala1835Pro). This variant is not present in population databases (gnomAD no frequency). This variant has not been reported in the literature in individuals affected with PLEC-related conditions. ClinVar contains an entry for this variant (Variation ID: 2199508). Experimental studies and prediction algorithms are not available or were not evaluated, and the functional significance of this variant is currently unknown. In summary, the available evidence is currently insufficient to determine the role of this variant in disease. Therefore, it has been classified as a Variant of Uncertain Significance.

NM_201384.3(PLEC):c.5422G>C (p.Ala1808Pro)

Gene: PLEC (plectin; minus strand). Cytogenetic location: 8q24.3.
Variant type: single nucleotide variant.
Coding change: c.5422G>C on transcript NM_201384.3 (MANE Select); coding-DNA position 5422, G replaced by C.
Protein change: p.Ala1808Pro; replaces alanine 1808 with proline.
Molecular consequence: missense variant.
Genome position (GRCh38, 1-based): chr8:143,924,507, C>G on the plus strand (G>C on the coding strand, the complement: PLEC is on the minus strand). VCF-style: chr8-143924507-C-G. GRCh37 (hg19) VCF-style: chr8-144998675-C-G.
Other names: c.5503G>C, p.Ala1835Pro (NM_000445.5); c.5380G>C, p.Ala1794Pro (NM_201378.4); c.5356G>C, p.Ala1786Pro (NM_201379.3); c.5833G>C, p.Ala1945Pro (NM_201380.4); c.5326G>C, p.Ala1776Pro (NM_201381.3); c.5422G>C, p.Ala1808Pro (NM_201382.4); c.5434G>C, p.Ala1812Pro (NM_201383.3); short protein forms A1776P, A1835P, A1945P, A1794P, A1786P, A1808P, A1812P.
Identifiers: ClinVar variation 2199508 (VCV002199508.4), dbSNP rs1824198487, ClinGen allele CA372545279.
Genomic context (GRCh38, chr8:143,924,507, plus strand): 5'-GCTGCCGCGCCGCGTCTTCCTCGGCCAGCTGCCGCTGCCGCTTGGCCTCTTCCGCCAGGG[C>G]ACGCAGGCGGGCGGCCTCCTCGGCCAGCTCGCGGAACCGGCCGGCCTCGGCCTCCAGCCT-3'
Protein context (NP_958786.1, residues 1798-1818): ELAEEAARLR[Ala1808Pro]LAEEAKRQRQ